The following is an entry in ClinVar:

ClinVar aggregate classification (germline): Pathogenic. Review status: criteria provided, multiple submitters, no conflicts (2 of 4 stars). 3 submissions from 3 submitters: Pathogenic (3). Last evaluated 2022-09-07.

Conditions:
DMD-related disorder. Also called: DMD-related condition.
Duchenne muscular dystrophy (DMD). Also called: MUSCULAR DYSTROPHY, PSEUDOHYPERTROPHIC PROGRESSIVE, DUCHENNE TYPE; Duchenne Muscular Dystrophy (DMD). Identifiers: Orphanet 98896, MedGen C0013264, MONDO:0010679, OMIM 310200.

Submissions (3):

Labcorp Genetics (formerly Invitae), Labcorp
Classification: Pathogenic for Duchenne muscular dystrophy. Last evaluated: 2022-09-07. Review status: criteria provided, single submitter. Criteria: Invitae Variant Classification Sherloc (09022015). Collection method: clinical testing. Allele origin: germline.
Comment: For these reasons, this variant has been classified as Pathogenic. Studies have shown that disruption of this splice site results in skipping of exon 19 and introduces a premature termination codon (PMID: 25007885). The resulting mRNA is expected to undergo nonsense-mediated decay. ClinVar contains an entry for this variant (Variation ID: 803916). Disruption of this splice site has been observed in individual(s) with Duchenne muscular dystrophy (PMID: 25007885). In at least one individual the variant was observed to be de novo. This variant is not present in population databases (gnomAD no frequency). This sequence change affects a donor splice site in intron 19 of the DMD gene. RNA analysis indicates that disruption of this splice site induces altered splicing and may result in an absent or disrupted protein product.

Blueprint Genetics
Classification: Pathogenic for DMD-related disorders. Last evaluated: 2022-09-06. Review status: criteria provided, single submitter. Criteria: ACMG Guidelines, 2015. Collection method: clinical testing. Allele origin: germline. Affected: yes. Observed: 1 variant allele.

Mendelics
Classification: Pathogenic for Duchenne muscular dystrophy. Last evaluated: 2019-05-28. Review status: criteria provided, single submitter. Criteria: Mendelics Assertion Criteria 2017. Collection method: clinical testing. Allele origin: unknown.

Literature cited by the submitters: PubMed 25007885 (cited by Labcorp Genetics (formerly Invitae), Labcorp).

NM_004006.3(DMD):c.2380+1G>A

Gene: DMD (dystrophin; minus strand). Cytogenetic location: Xp21.1.
Variant type: single nucleotide variant.
Coding change: c.2380+1G>A on transcript NM_004006.3 (MANE Select); the canonical splice donor site of the intron after coding-DNA position 2380, G replaced by A.
Molecular consequence: splice donor variant.
Genome position (GRCh38, 1-based): chrX:32,501,754, C>T on the plus strand (G>A on the coding strand, the complement: DMD is on the minus strand). VCF-style: chrX-32501754-C-T. GRCh37 (hg19) VCF-style: chrX-32519871-C-T.
Other names: c.2356+1G>A (NM_000109.4); c.2368+1G>A (NM_004009.3); c.2011+1G>A (NM_004010.3).
Identifiers: ClinVar variation 803916 (VCV000803916.8), dbSNP rs398123884, ClinGen allele CA412673533.